The following is an entry in ClinVar:

ClinVar aggregate classification (germline): Likely pathogenic. Review status: reviewed by expert panel (3 of 4 stars). 13 submissions from 13 submitters: Likely pathogenic (1). 12 of the submissions do not count toward it. Last evaluated 2025-09-09.

Conditions:
ACADVL-related disorder. Also called: ACADVL-related condition.
Very long chain acyl-CoA dehydrogenase deficiency (ACADVLD). Also called: VLCAD Deficiency; Very Long-Chain Acyl-Coenzyme A Dehydrogenase Deficiency. Identifiers: Orphanet 26793, MedGen C3887523, MONDO:0008723, OMIM 201475.

Submissions 1 to 7 of 13:

ClinGen ACADVL Variant Curation Expert Panel, ClinGen
Classification: Likely pathogenic for Very long chain acyl-CoA dehydrogenase deficiency. Last evaluated: 2025-09-09. Review status: reviewed by expert panel. Criteria: clingen acadvl acmg specifications v1. Collection method: curation. Allele origin: germline. Inheritance: Autosomal recessive inheritance.
Comment: NM_000018.4(ACADVL):c.896_898del (p.Lys299del) variant in ACADVL is an in-frame deletion (removes amino acids Lys299) in exon 10/20 that is not predicted to impact splicing (SpliceAI: 0.02). The highest population minor allele frequency in gnomAD v4.1.0 is 0.00001 in Non-Finnish European population, which is lower than the ClinGen ACADVL Variant Curation Expert Panel threshold (<0.001) for PM2_Supporting, meeting this criterion (PM2_Supporting). The c.896_898del variant is predicted to cause a change in the length of the protein (p.Lys299del) due to an in-frame deletion of an amino acid in a non-repeat region (PM4). This variant is reported in the literature in multiple individuals affected with very long-chain acyl-CoA dehydrogenase deficiency in compound heterozygous fashion, with at least one of whom exhibiting reduced VLCAD enzyme levels (< 20% WT control), which is highly specific for VLCAD deficiency (PP4_Moderate, PMID:10738914). This patient also carried a likely pathogenic variant c.753-2A>C in trans (PM3 score = 1.0, PM3, PMID:10738914). Well controlled functional studies by CHO cell transfection found that both the resultant mRNA and protein were significantly unstable, resulting in pronounced reduction in VLCAD activity (PS3_Supporting, PMID:8554073). In summary, this variant meets the criteria to be classified as likely pathogenic for autosomal recessive very long chain acyl-CoA dehydrogenase (VLCAD) deficiency based on the ACMG/AMP criteria applied, as specified by the ClinGen ACADVL Variant Curation Expert Panel: PM2_Supporting, PM4, PP4_Moderate, PM3, and PS3_Supporting (ACADVL VCEP specifications version 2; approved May 01, 2025).

PreventionGenetics, part of Exact Sciences
Classification: Likely pathogenic for ACADVL-related condition. Last evaluated: 2026-08-19. Review status: criteria provided, single submitter. Criteria: ACMG Guidelines, 2015. Collection method: clinical testing. Allele origin: germline. Not counted in ClinVar's aggregate classification.
Comment: The ACADVL c.896_898delAGA variant is predicted to result in an in-frame deletion (p.Lys299del). This variant has been reported in the heterozygous state in patients with very long chain acyl-CoA dehydrogenase deficiency (Souri et al. 1996. PubMed ID: 8554073; Schiff et al. 2013. PubMed ID: 23480858; Merinero et al. 2018. PubMed ID: 28755359). In functional studies using Chinese hamster ovary (CHO) cells, the p.Lys299del mutation decreased the enzyme activity, stability of the ACADVL protein, and the expression level of the ACADVL mRNA (Souri et al. 1996. PubMed ID: 8554073). This variant is reported in 0.0080% of alleles in individuals of African descent in gnomAD. Based on these observations, this variant is interpreted as likely pathogenic.

Labcorp Genetics (formerly Invitae), Labcorp
Classification: Pathogenic for Very long chain acyl-CoA dehydrogenase deficiency. Last evaluated: 2026-01-24. Review status: criteria provided, single submitter. Criteria: Invitae Variant Classification Sherloc (09022015). Collection method: clinical testing. Allele origin: germline. Not counted in ClinVar's aggregate classification.
Comment: This variant, c.896_898del, results in the deletion of 1 amino acid(s) of the ACADVL protein (p.Lys299del), but otherwise preserves the integrity of the reading frame. This variant is present in population databases (rs761162357, gnomAD 0.008%). This variant has been observed in individual(s) with clinical features of very-long-chain acyl-coenzyme A dehydrogenase deficiency (PMID: 8554073, 10738914; internal data). This variant is also known as c.895_897del and K258del. ClinVar contains an entry for this variant (Variation ID: 92292). Algorithms developed to predict the effect of variants on gene product structure and function are not available or were not evaluated for this variant. Experimental studies have shown that this variant affects ACADVL function (PMID: 8554073). This variant disrupts the p.Lys299 amino acid residue in ACADVL. Other variant(s) that disrupt this residue have been observed in individuals with ACADVL-related conditions (PMID: 9973285, 16982043), which suggests that this may be a clinically significant amino acid residue. For these reasons, this variant has been classified as Pathogenic.

Dasa
Classification: Likely pathogenic. Last evaluated: 2025-11-21. Review status: criteria provided, single submitter. Criteria: DASA Assertion Criteria. Collection method: clinical testing. Allele origin: germline. Not counted in ClinVar's aggregate classification.
Comment: NM_000018.4(ACADVL):c.896_898del (p.Lys299del) is an in-frame deletion predicted to remove lysine at protein position 299 without shifting the reading frame. This variant has been recurrently observed in individuals with ACADVL-related disorders (PMID: 10738914; PMID: 8554073). Functional evidence supports an impact on the gene or gene product (PMID: 10738914; PMID: 8554073). Also, this variant is rare in population databases. Based on the currently available evidence, this variant is classified as likely pathogenic.

Natera, Inc.
Classification: Pathogenic for Very long chain acyl-CoA dehydrogenase deficiency. Last evaluated: 2025-06-15. Review status: criteria provided, single submitter. Criteria: Natera Variant Classification Schema (03/2026). Collection method: clinical testing. Allele origin: germline. Not counted in ClinVar's aggregate classification.
Comment: The c.896_898delAGA variant in ACADVL is an in-frame deletion predicted to remove lysine at amino acid 299 while preserving the reading frame. This variant is rare in the general population with a frequency below the threshold expected for the associated phenotype(s). This variant has been observed in one or more individuals affected with the associated recessive disease, as either homozygous or compound heterozygous with a second variant (PMID: 10738914, 10077518). Functional studies show that this variant may disrupt protein function (PMID: 8554073). This variant results in a change to the protein length while preserving reading frame, which may disrupt normal protein structure or function. Computational prediction algorithms indicate this variant is likely to affect gene or protein function. Given the available evidence, this variant is classified as Pathogenic.

ARUP Laboratories, Molecular Genetics and Genomics, ARUP Laboratories
Classification: Pathogenic for Very long chain acyl-CoA dehydrogenase deficiency. Last evaluated: 2025-01-31. Review status: criteria provided, single submitter. Criteria: ARUP Molecular Germline Variant Investigation Process 2024. Collection method: clinical testing. Allele origin: germline. Not counted in ClinVar's aggregate classification.
Comment: The ACADVL c.896_898del; p.Lys299del variant (rs398123094, ClinVar Variation ID: 92292) has been described in individuals identified by newborn screening and in an individual affected with very long-chain acyl-CoA dehydrogenase (VLCAD) deficiency (Lin 2020, Schiff 2013, Souri 1996). This variant is found in the general population with an overall allele frequency of 0.002% (7/ 281832 alleles) in the Genome Aggregation Database (v2.1.1). This variant deletes a single lysine residue leaving the rest of the protein in-frame, and loss of this codon has been shown to result in an unstable transcript (Souri 1996). Based on available information, this variant is considered to be pathogenic. References: Lin Y et al. Newborn screening and genetic characteristics of patients with short- and very long-chain acyl-CoA dehydrogenase deficiencies. Clin Chim Acta. 2020 Nov;510:285-290. PMID: 32710939. Schiff M et al. Molecular and cellular pathology of very-long-chain acyl-CoA dehydrogenase deficiency. Mol Genet Metab. 2013 May;109(1):21-7. PMID: 23480858. Souri M et al. Mutation analysis of very-long-chain acyl-coenzyme A dehydrogenase (VLCAD) deficiency: identification and characterization of mutant VLCAD cDNAs from four patients. Am J Hum Genet. 1996 Jan;58(1):97-106. PMID: 8554073.

Baylor Genetics
Classification: Pathogenic for Very long chain acyl-CoA dehydrogenase deficiency. Last evaluated: 2024-01-05. Review status: criteria provided, single submitter. Criteria: ACMG Guidelines, 2015. Collection method: clinical testing. Allele origin: unknown. Not counted in ClinVar's aggregate classification.

NM_000018.4(ACADVL):c.890AGA[2] (p.Lys299del)

Gene: ACADVL (acyl-CoA dehydrogenase very long chain; plus strand). Cytogenetic location: 17p13.1.
Variant type: Microsatellite.
Coding change: c.890AGA[2] on transcript NM_000018.4 (MANE Select); two copies in a row of the 3-base unit AGA starting at c.890; the reference has three copies in a row; one copy, 3 bases deleted; also written c.896_898del.
Protein change: p.Lys299del; deletes lysine 299.
Molecular consequence: inframe deletion.
Genome position (GRCh38, 1-based): chr17:7,222,684-7,222,686, AGA deleted; deleting any 3 consecutive bases within chr17:7,222,678-7,222,686 gives the same sequence; the position shown is the placement nearest the transcript's 3' end. VCF-style (leftmost placement, unchanged base first): chr17-7222677-GAGA-G. GRCh37 (hg19) VCF-style: chr17-7125996-GAGA-G.
Other names: NM_000018.4(ACADVL):c.890AGA[2]; c.896_898delAGA, p.Lys299del (NM_000018.2); c.896_898del (NM_000018.3, NM_000018.4); c.668_670delAGA (NM_001270448.1); c.824AGA[2], p.Lys277del (NM_001033859.3); c.959AGA[2], p.Lys322del (NM_001270447.2); c.662AGA[2], p.Lys223del (NM_001270448.2); c.896_898delAGA (NM_000018.4); short protein forms K299del, K223del, K277del, K322del.
Identifiers: ClinVar variation 92292 (VCV000092292.37), dbSNP rs387906252, ClinGen allele CA220223.